The following is an entry in ClinVar:

ClinVar aggregate classification (germline): Uncertain significance (1 of 4 stars; one submission).

Submission:

Labcorp Genetics (formerly Invitae), Labcorp
Classification: Uncertain significance. Last evaluated: 2022-03-19. Review status: criteria provided, single submitter. Criteria: Invitae Variant Classification Sherloc (09022015). Collection method: clinical testing. Allele origin: germline.
Comment: This variant is not present in population databases (gnomAD no frequency). This variant has not been reported in the literature in individuals affected with TUBGCP6-related conditions. This variant, c.4123_4128dup, results in the insertion of 2 amino acid(s) of the TUBGCP6 protein (p.Gly1375_Asp1376dup), but otherwise preserves the integrity of the reading frame. ClinVar contains an entry for this variant (Variation ID: 1021403). In summary, the available evidence is currently insufficient to determine the role of this variant in disease. Therefore, it has been classified as a Variant of Uncertain Significance. Experimental studies and prediction algorithms are not available or were not evaluated, and the functional significance of this variant is currently unknown.

NM_020461.4(TUBGCP6):c.4123_4128dup (p.Gly1375_Asp1376dup)

Gene: TUBGCP6 (tubulin gamma complex component 6; minus strand). Cytogenetic location: 22q13.33.
Variant type: Duplication.
Coding change: c.4123_4128dup on transcript NM_020461.4 (MANE Select); coding-DNA positions 4123 to 4128, 6 bases duplicated (GGGGAC; older notation c.4123_4128dupGGGGAC).
Protein change: p.Gly1375_Asp1376dup.
Molecular consequence: inframe insertion.
Genome position (GRCh38, 1-based): chr22:50,219,996-50,220,001, GTCCCC duplicated on the plus strand (GGGGAC on the coding strand, the reverse complement: TUBGCP6 is on the minus strand); duplicating any 6 consecutive bases within chr22:50,219,996-50,220,002 gives the same sequence; the c. name uses the placement nearest the transcript's 3' end. VCF-style (leftmost placement, unchanged base first): chr22-50219995-T-TGTCCCC. GRCh37 (hg19) VCF-style: chr22-50658424-T-TGTCCCC.
Identifiers: ClinVar variation 1021403 (VCV001021403.8), dbSNP rs2064489016, ClinGen allele CA2410730007.